The following is an entry in ClinVar:

ClinVar aggregate classification (germline): Conflicting classifications of pathogenicity. Review status: criteria provided, conflicting classifications (1 of 4 stars). 9 submissions from 9 submitters: Uncertain significance (2); Benign (1); Likely benign (3). 3 of the submissions do not count toward it. Last evaluated 2026-08-13.

Conditions:
Osteochondritis dissecans. Identifiers: Orphanet 251262, Orphanet 2764, MedGen C0029421, MONDO:0017178, HP:0010886.
ACAN-related disorder. Also called: ACAN-related disorders; ACAN-related condition.
Inborn genetic diseases. Identifiers: MedGen C0950123, MeSH D030342.

Allele frequency attached by ClinVar (database versions not stated): 1000 Genomes Project 30x 0.00031; 1000 Genomes Project 0.00040; TOPMed 0.00074; ESP Exome Variant Server 0.00087; gnomAD 0.00135 and 0.00147; gnomAD exomes 0.00136 and 0.00154; ExAC 0.00184.
gnomAD v4.1: 2,167 of 1,614,026 alleles (0.13%); highest among the groups gnomAD compares: Non-Finnish European, 0.14%; 1 homozygote.

Submissions (9):

GeneDx
Classification: Uncertain significance. Last evaluated: 2026-08-13. Review status: criteria provided, single submitter. Criteria: GeneDx Variant Classification Process June 2021. Collection method: clinical testing. Allele origin: germline.
Comment: In silico analysis supports that this missense variant has a deleterious effect on protein structure/function; Has not been previously published as pathogenic or benign to our knowledge

Labcorp Genetics (formerly Invitae), Labcorp
Classification: Benign. Last evaluated: 2026-01-26. Review status: criteria provided, single submitter. Criteria: Invitae Variant Classification Sherloc (09022015). Collection method: clinical testing. Allele origin: germline.

Blueprint Genetics
Classification: Likely benign. Last evaluated: 2024-11-23. Review status: criteria provided, single submitter. Criteria: ACMG Guidelines, 2015. Collection method: clinical testing. Allele origin: germline.

Ambry Genetics
Classification: Uncertain significance for Inborn genetic diseases. Last evaluated: 2023-04-11. Review status: criteria provided, single submitter. Criteria: Ambry Variant Classification Scheme 2023. Collection method: clinical testing. Allele origin: germline.

Mendelics
Classification: Likely benign for Short stature and advanced bone age, with or without early-onset osteoarthritis and/or osteochondritis dissecans. Last evaluated: 2019-05-28. Review status: criteria provided, single submitter. Criteria: Mendelics Assertion Criteria 2017. Collection method: clinical testing. Allele origin: unknown.

Center for Pediatric Genomic Medicine, Children's Mercy Hospital and Clinics
Classification: Likely benign. Last evaluated: 2017-09-15. Review status: criteria provided, single submitter. Criteria: ACMG Guidelines, 2015. Collection method: clinical testing. Allele origin: germline.

PreventionGenetics, part of Exact Sciences
Classification: Likely benign for ACAN-related condition. Last evaluated: 2019-04-02. Review status: no assertion criteria provided. Collection method: clinical testing. Allele origin: germline. Not counted in ClinVar's aggregate classification.
Comment: This variant is classified as likely benign based on ACMG/AMP sequence variant interpretation guidelines (Richards et al. 2015 PMID: 25741868, with internal and published modifications).

Joint Genome Diagnostic Labs from Nijmegen and Maastricht, Radboudumc and MUMC+
Classification: Benign. Review status: no assertion criteria provided. Collection method: clinical testing. Allele origin: germline. Affected: yes. Study: VKGL Data-share Consensus. Not counted in ClinVar's aggregate classification.

Laboratory of Diagnostic Genome Analysis, Leiden University Medical Center (LUMC)
Classification: Likely benign. Review status: no assertion criteria provided. Collection method: clinical testing. Allele origin: germline. Affected: yes. Study: VKGL Data-share Consensus. Not counted in ClinVar's aggregate classification.

NM_001369268.1(ACAN):c.230G>A (p.Arg77His)

Gene: ACAN (aggrecan; plus strand). Cytogenetic location: 15q26.1.
Variant type: single nucleotide variant.
Coding change: c.230G>A on transcript NM_001369268.1 (MANE Select); coding-DNA position 230, G replaced by A.
Protein change: p.Arg77His; replaces arginine 77 with histidine.
Molecular consequence: missense variant.
Genome position (GRCh38, 1-based): chr15:88,838,822, G>A. VCF-style: chr15-88838822-G-A. GRCh37 (hg19) VCF-style: chr15-89382053-G-A.
Other names: c.230G>A, p.Arg77His (NM_001135.4, NM_013227.4); short protein forms R77H.
Identifiers: ClinVar variation 446080 (VCV000446080.24), dbSNP rs199701329, ClinGen allele CA7719175.